The following is an entry in ClinVar:

NM_006939.4(SOS2):c.374A>T (p.His125Leu)

Gene: SOS2 (SOS Ras/Rho guanine nucleotide exchange factor 2; minus strand). Cytogenetic location: 14q21.3.
Variant type: single nucleotide variant.
Coding change: c.374A>T on transcript NM_006939.4 (MANE Select); coding-DNA position 374, A replaced by T.
Protein change: p.His125Leu; replaces histidine 125 with leucine.
Molecular consequence: missense variant.
Genome position (GRCh38, 1-based): chr14:50,199,827, T>A on the plus strand (A>T on the coding strand, the complement: SOS2 is on the minus strand). VCF-style: chr14-50199827-T-A. GRCh37 (hg19) VCF-style: chr14-50666545-T-A.
Other names: short protein forms H125L.
Identifiers: ClinVar variation 1370463 (VCV001370463.12), dbSNP rs777300218, ClinGen allele CA7177534.

ClinVar aggregate classification (germline): Conflicting classifications of pathogenicity. Review status: criteria provided, conflicting classifications (1 of 4 stars). 4 submissions from 4 submitters: Uncertain significance (2); Likely benign (2). Last evaluated 2026-04-21.

Conditions:
Cardiovascular phenotype. Identifiers: MedGen CN230736.
Noonan syndrome 9 (NS9). Identifiers: Orphanet 648, MedGen C4225282, MONDO:0014691, OMIM 616559.

Allele frequency attached by ClinVar (database versions not stated): TOPMed below 0.00001; gnomAD 0.00001; gnomAD exomes 0.00002; ExAC 0.00003.
gnomAD v4.1: 16 of 1,589,210 alleles (0.001%); highest among the groups gnomAD compares: Admixed American, 0.017%; no homozygotes.

Submissions (4):

Women's Health and Genetics/Laboratory Corporation of America, LabCorp
Classification: Likely benign. Last evaluated: 2026-04-21. Review status: criteria provided, single submitter. Criteria: LabCorp Variant Classification Summary - May 2015. Collection method: clinical testing. Allele origin: germline.
Comment: Variant summary: SOS2 c.374A>T (p.His125Leu) results in a non-conservative amino acid change in the encoded protein sequence. Algorithms developed to predict the effect of missense changes on protein structure and function are either unavailable or do not agree on the potential impact of this missense change. The variant allele was found at a frequency of 1e-05 in 1589210 control chromosomes, predominantly at a frequency of 0.00017 within the Latino subpopulation in the gnomAD database. The observed variant frequency within Latino control individuals in the gnomAD database exceeds the estimated maximal expected allele frequency for disease-causing variants in SOS2. To our knowledge, no occurrence of c.374A>T in individuals affected with SOS2-related conditions and no experimental evidence demonstrating its impact on protein function have been reported. ClinVar contains an entry for this variant (Variation ID: 1370463). Based on the evidence outlined above, the variant was classified as likely benign.

Labcorp Genetics (formerly Invitae), Labcorp
Classification: Likely benign for Noonan syndrome 9. Last evaluated: 2026-01-06. Review status: criteria provided, single submitter. Criteria: Invitae Variant Classification Sherloc (09022015). Collection method: clinical testing. Allele origin: germline.

Ambry Genetics
Classification: Uncertain significance for Cardiovascular phenotype. Last evaluated: 2022-10-02. Review status: criteria provided, single submitter. Criteria: Ambry Variant Classification Scheme 2023. Collection method: clinical testing. Allele origin: germline.
Comment: The p.H125L variant (also known as c.374A>T), located in coding exon 4 of the SOS2 gene, results from an A to T substitution at nucleotide position 374. The histidine at codon 125 is replaced by leucine, an amino acid with similar properties. This amino acid position is conserved. In addition, the in silico prediction for this alteration is inconclusive. Since supporting evidence is limited at this time, the clinical significance of this alteration remains unclear.

Genome-Nilou Lab
Classification: Uncertain significance for Noonan syndrome 9. Review status: criteria provided, single submitter. Criteria: ACMG Guidelines, 2015. Collection method: clinical testing. Allele origin: germline.